The following is an entry in ClinVar:

ClinVar aggregate classification (germline): Uncertain significance (1 of 4 stars; one submission).

Conditions:
Inflammatory bowel disease 28. Also called: Inflammatory bowel disease 28, early onset, autosomal recessive. Identifiers: Orphanet 238569, MedGen C2751053, MONDO:0013153, OMIM 613148.

Submission:

Labcorp Genetics (formerly Invitae), Labcorp
Classification: Uncertain significance for Inflammatory bowel disease 28. Last evaluated: 2019-12-06. Review status: criteria provided, single submitter. Criteria: Invitae Variant Classification Sherloc (09022015). Collection method: clinical testing. Allele origin: germline.
Comment: This sequence change replaces valine with glutamic acid at codon 7 of the IL10RA protein (p.Val7Glu). The valine residue is weakly conserved and there is a moderate physicochemical difference between valine and glutamic acid. This variant is not present in population databases (ExAC no frequency). This variant has not been reported in the literature in individuals with IL10RA-related conditions. Algorithms developed to predict the effect of missense changes on protein structure and function are either unavailable or do not agree on the potential impact of this missense change (SIFT: "Tolerated"; PolyPhen-2: "Not Available"; Align-GVGD: "Class C0"). In summary, the available evidence is currently insufficient to determine the role of this variant in disease. Therefore, it has been classified as a Variant of Uncertain Significance.

NM_001558.4(IL10RA):c.20T>A (p.Val7Glu)

Gene: IL10RA (interleukin 10 receptor subunit alpha; plus strand). Cytogenetic location: 11q23.3.
Variant type: single nucleotide variant.
Coding change: c.20T>A on transcript NM_001558.4 (MANE Select); coding-DNA position 20, T replaced by A.
Protein change: p.Val7Glu; replaces valine 7 with glutamic acid.
Molecular consequence: missense variant. On other transcripts: non-coding transcript variant (1).
Genome position (GRCh38, 1-based): chr11:117,986,487, T>A. VCF-style: chr11-117986487-T-A. GRCh37 (hg19) VCF-style: chr11-117857202-T-A.
Other names: short protein forms V7E.
Identifiers: ClinVar variation 846267 (VCV000846267.9), dbSNP rs2057986809, ClinGen allele CA382771884.